The following is an entry in ClinVar:

NM_000090.4(COL3A1):c.2032G>C (p.Gly678Arg)

Gene: COL3A1 (collagen type III alpha 1 chain; plus strand). Cytogenetic location: 2q32.2.
Variant type: single nucleotide variant.
Coding change: c.2032G>C on transcript NM_000090.4 (MANE Select); coding-DNA position 2032, G replaced by C.
Protein change: p.Gly678Arg; replaces glycine 678 with arginine.
Molecular consequence: missense variant.
Genome position (GRCh38, 1-based): chr2:188,999,294, G>C. VCF-style: chr2-188999294-G-C. GRCh37 (hg19) VCF-style: chr2-189864020-G-C.
Other names: short protein forms G678R.
Identifiers: ClinVar variation 3377415 (VCV003377415.1).
Genomic context (GRCh38, chr2:188,999,294, plus strand): 5'-GTTTTTAGCTTTGGGTTGTCTAATATGGTTATTTACATATTTTTGTCACAGGGTGATGCT[G>C]GTGCCCCTGGTGAACGTGGACCTCCTGGATTGGCAGGGGCCCCAGGACTTAGAGGTGGAG-3'
Protein context (NP_000081.2, residues 668-688): PGAPGGKGDA[Gly678Arg]APGERGPPGL

ClinVar aggregate classification (germline): Likely pathogenic (1 of 4 stars; one submission).

Conditions:
Ehlers-Danlos syndrome, type 4 (EDSVASC). Also called: Ehlers-Danlos syndrome vascular type; Ehlers Danlos syndrome, ecchymotic type; Ehlers Danlos syndrome, arterial type; Ehlers Danlos syndrome, Sack-Barabas type; Ehlers-Danlos Syndrome Type IV. Identifiers: Orphanet 286, MedGen C0268338, MONDO:0017314, OMIM 130050.

Submission:

Victorian Clinical Genetics Services, Murdoch Childrens Research Institute
Classification: Likely pathogenic for Ehlers-Danlos syndrome, type 4. Last evaluated: 2020-05-26. Review status: criteria provided, single submitter. Criteria: ACMG Guidelines, 2015. Collection method: clinical testing. Allele origin: germline.
Comment: Based on the classification scheme VCGS_Germline_v1.1.1, this variant is classified as Likely Pathogenic. Following criteria are met: 0102 - Loss-of-function is a known mechanism of disease for this gene (PMID: 21637106). (N) 0104 - Dominant Negative is a mechanism of disease for this gene (PMID: 2934644). (N) 0108 - This gene is known to be associated with both recessive and dominant disease (OMIM). (N) 0112 – Missense variants in this gene have been reported with variable expressivity and variable age of onset (PMID: 28183226; GeneReviews). (N) 0200 - Variant is predicted to result in a missense amino acid change from glycine to arginine (exon 30). (N) 0251 - Variant is heterozygous. (N) 0301 - Variant is absent from gnomAD. (P) 0501 - Missense variant consistently predicted to be damaging by multiple in-silico tools or highly conserved with a major amino acid change. (P) 0601 - Variant affects at least one well-established (essential) functional domain or motif. This variant affects a glycine residue of the Gly-X-Y repeat within the triple helical region (PDB) (P) 0705 - No comparable variants have previous evidence for pathogenicity. (N) 0807 - Variant has not previously been reported in a clinical context. (N) 0905 - No segregation evidence has been identified for this variant. (N) 1007 - No published functional evidence has been identified for this variant. (N) Legend: (P) - Pathogenic, (N) - Neutral, (B) - Benign

Literature cited by the submitters: PubMed 2934644; PubMed 21637106; PubMed 28183226.